The following is an entry in ClinVar:

ClinVar aggregate classification (germline): Uncertain significance (1 of 4 stars; one submission).

Allele frequency attached by ClinVar (database versions not stated): gnomAD exomes below 0.00001; TOPMed below 0.00001; gnomAD 0.00001.
gnomAD v4.1: 3 of 1,613,354 alleles (0.00019%); highest among the groups gnomAD compares: African/African-American, 0.0013%; no homozygotes.

Submission:

Labcorp Genetics (formerly Invitae), Labcorp
Classification: Uncertain significance. Last evaluated: 2022-03-23. Review status: criteria provided, single submitter. Criteria: Invitae Variant Classification Sherloc (09022015). Collection method: clinical testing. Allele origin: germline.
Comment: This sequence change replaces serine, which is neutral and polar, with phenylalanine, which is neutral and non-polar, at codon 302 of the RETREG1 protein (p.Ser302Phe). In summary, the available evidence is currently insufficient to determine the role of this variant in disease. Therefore, it has been classified as a Variant of Uncertain Significance. Algorithms developed to predict the effect of missense changes on protein structure and function (SIFT, PolyPhen-2, Align-GVGD) all suggest that this variant is likely to be disruptive. This variant has not been reported in the literature in individuals affected with RETREG1-related conditions. This variant is present in population databases (no rsID available, gnomAD 0.007%).

NM_001034850.3(RETREG1):c.905C>T (p.Ser302Phe)

Gene: RETREG1 (reticulophagy regulator 1; minus strand). Cytogenetic location: 5p15.1.
Variant type: single nucleotide variant.
Coding change: c.905C>T on transcript NM_001034850.3 (MANE Select); coding-DNA position 905, C replaced by T.
Protein change: p.Ser302Phe; replaces serine 302 with phenylalanine.
Molecular consequence: missense variant.
Genome position (GRCh38, 1-based): chr5:16,477,757, G>A on the plus strand (C>T on the coding strand, the complement: RETREG1 is on the minus strand). VCF-style: chr5-16477757-G-A. GRCh37 (hg19) VCF-style: chr5-16477866-G-A.
Other names: c.482C>T, p.Ser161Phe (NM_019000.5); short protein forms S161F, S302F.
Identifiers: ClinVar variation 1923528 (VCV001923528.5), dbSNP rs1260385728, ClinGen allele CA359257976.
Genomic context (GRCh38, chr5:16,477,757, plus strand): 5'-GAAAGGTTGAAGGTCCCATTATCAGTCCAGGATACCTCTGAGACGTCTGTGTCAGACACA[G>A]ATAACTCTTTGGCAGCAACCGTGAGGCTAATCTGTGTTAATATAAATAAATACCAGCGGC-3'
Protein context (NP_001030022.1, residues 292-312): ISLTVAAKEL[Ser302Phe]VSDTDVSEVS